The following is an entry in ClinVar:

ClinVar aggregate classification (germline): Uncertain significance (1 of 4 stars; one submission).

Submission:

GeneDx
Classification: Uncertain significance. Last evaluated: 2022-12-02. Review status: criteria provided, single submitter. Criteria: GeneDx Variant Classification Process June 2021. Collection method: clinical testing. Allele origin: germline. Affected: yes.
Comment: Not observed at significant frequency in large population cohorts (gnomAD); In silico analysis supports that this missense variant does not alter protein structure/function; Has not been previously published as pathogenic or benign to our knowledge

NM_000051.4(ATM):c.3420C>A (p.Asn1140Lys)

Gene: ATM (ATM serine/threonine kinase; plus strand). Cytogenetic location: 11q22.3.
Variant type: single nucleotide variant.
Coding change: c.3420C>A on transcript NM_000051.4 (MANE Select); coding-DNA position 3420, C replaced by A.
Protein change: p.Asn1140Lys; replaces asparagine 1140 with lysine.
Molecular consequence: missense variant.
Genome position (GRCh38, 1-based): chr11:108,281,012, C>A. VCF-style: chr11-108281012-C-A. GRCh37 (hg19) VCF-style: chr11-108151739-C-A.
Other names: c.3420C>A, p.Asn1140Lys (NM_001351834.2); short protein forms N1140K.
Identifiers: ClinVar variation 2504344 (VCV002504344.1), dbSNP rs1329688204, ClinGen allele CA382518973.